The following is an entry in ClinVar:

ClinVar aggregate classification (germline): Uncertain significance. Review status: criteria provided, multiple submitters, no conflicts (2 of 4 stars). 4 submissions from 4 submitters: Uncertain significance (3). 1 of the submissions does not count toward it. Last evaluated 2024-02-17.

Conditions:
Inborn genetic diseases. Identifiers: MedGen C0950123, MeSH D030342.
Fetal akinesia deformation sequence 1 (FADS1). Also called: Pena-Shokeir syndrome type I; Fetal akinesia sequence. Identifiers: Orphanet 994, MedGen C1276035, MONDO:0100101, OMIM 208150, HP:0001989.
Congenital myasthenic syndrome 11. Also called: MYASTHENIC SYNDROME, CONGENITAL, Ie; Myasthenic syndrome, congenital, 11, associated with acetylcholine receptor deficiency. Identifiers: Orphanet 590, MedGen C4225367, MONDO:0014588, OMIM 616326.
Congenital myasthenic syndrome (CMS). Also called: Congenital Myasthenic Syndromes. Identifiers: Orphanet 590, MedGen C0751882, MeSH D020294, MONDO:0018940.

Allele frequency attached by ClinVar (database versions not stated): TOPMed 0.00002; ExAC 0.00003; gnomAD exomes 0.00003; ESP Exome Variant Server 0.00015; 1000 Genomes Project 30x 0.00016; 1000 Genomes Project 0.00020.
gnomAD v4.1: 66 of 1,610,806 alleles (0.0041%); highest among the groups gnomAD compares: Admixed American, 0.0067%; no homozygotes.

Submissions (4):

Ambry Genetics
Classification: Uncertain significance for Inborn genetic diseases. Last evaluated: 2024-02-17. Review status: criteria provided, single submitter. Criteria: Ambry Variant Classification Scheme 2023. Collection method: clinical testing. Allele origin: germline.

Labcorp Genetics (formerly Invitae), Labcorp
Classification: Uncertain significance for Congenital myasthenic syndrome 11; Fetal akinesia deformation sequence 1. Last evaluated: 2022-04-07. Review status: criteria provided, single submitter. Criteria: Invitae Variant Classification Sherloc (09022015). Collection method: clinical testing. Allele origin: germline.
Comment: This sequence change replaces alanine, which is neutral and non-polar, with threonine, which is neutral and polar, at codon 66 of the RAPSN protein (p.Ala66Thr). This variant is present in population databases (rs145197671, gnomAD 0.007%). This variant has not been reported in the literature in individuals affected with RAPSN-related conditions. ClinVar contains an entry for this variant (Variation ID: 567634). Algorithms developed to predict the effect of missense changes on protein structure and function are either unavailable or do not agree on the potential impact of this missense change (SIFT: "Deleterious"; PolyPhen-2: "Probably Damaging"; Align-GVGD: "Class C0"). In summary, the available evidence is currently insufficient to determine the role of this variant in disease. Therefore, it has been classified as a Variant of Uncertain Significance.

Revvity Omics, Revvity
Classification: Uncertain significance. Last evaluated: 2019-12-16. Review status: criteria provided, single submitter. Criteria: ACMG Guidelines, 2015. Collection method: clinical testing. Allele origin: germline.

Natera, Inc.
Classification: Uncertain significance for Congenital myasthenic syndrome. Last evaluated: 2019-11-11. Review status: no assertion criteria provided. Collection method: clinical testing. Allele origin: germline. Not counted in ClinVar's aggregate classification.

NM_005055.5(RAPSN):c.196G>A (p.Ala66Thr)

Gene: RAPSN (receptor associated protein of the synapse; minus strand). Cytogenetic location: 11p11.2.
Variant type: single nucleotide variant.
Coding change: c.196G>A on transcript NM_005055.5 (MANE Select); coding-DNA position 196, G replaced by A.
Protein change: p.Ala66Thr; replaces alanine 66 with threonine.
Molecular consequence: missense variant.
Genome position (GRCh38, 1-based): chr11:47,448,147, C>T on the plus strand (G>A on the coding strand, the complement: RAPSN is on the minus strand). VCF-style: chr11-47448147-C-T. GRCh37 (hg19) VCF-style: chr11-47469699-C-T.
Other names: c.196G>A, p.Ala66Thr (NM_032645.5); short protein forms A66T.
Identifiers: ClinVar variation 567634 (VCV000567634.7), dbSNP rs145197671, ClinGen allele CA5976789.
Genomic context (GRCh38, chr11:47,448,147, plus strand): 5'-AGCTCTCCAGGAGGAAGTCGGCATCCTCCAGCTCCCGGGCCGTGTCGATCTGGACCACAG[C>T]GAACTGCACACAGCGACGGTGGGCAGGTGGTGCTCAGCCTGGACTCTGAGCCTTGGACCC-3'
Protein context (NP_005046.2, residues 56-76): MGRYKEMLKF[Ala66Thr]VVQIDTAREL